The following is an entry in ClinVar:

ClinVar aggregate classification (germline): Benign/Likely benign. Review status: criteria provided, multiple submitters, no conflicts (2 of 4 stars). 4 submissions from 4 submitters: Benign (1); Likely benign (3). Last evaluated 2026-01-25.

Conditions:
Congenital myasthenic syndrome 8. Also called: MYASTHENIC SYNDROME, CONGENITAL, DUE TO AGRIN DEFICIENCY; Myasthenic syndrome, congenital, 8, with pre- and postsynaptic defects. Identifiers: Orphanet 590, MedGen C3808739, MONDO:0014052, OMIM 615120.
Inborn genetic diseases. Identifiers: MedGen C0950123, MeSH D030342.

Allele frequency attached by ClinVar (database versions not stated): gnomAD exomes 0.00019 and 0.00051; ExAC 0.00147; gnomAD 0.00183; TOPMed 0.00210; 1000 Genomes Project 0.00220; 1000 Genomes Project 30x 0.00234; ESP Exome Variant Server 0.00235.
gnomAD v4.1: 545 of 1,548,768 alleles (0.035%); highest among the groups gnomAD compares: African/African-American, 0.67%; 2 homozygotes.

Submissions (4):

Labcorp Genetics (formerly Invitae), Labcorp
Classification: Benign for Congenital myasthenic syndrome 8. Last evaluated: 2026-01-25. Review status: criteria provided, single submitter. Criteria: Invitae Variant Classification Sherloc (09022015). Collection method: clinical testing. Allele origin: germline.

Mayo Clinic Laboratories, Mayo Clinic
Classification: Likely benign. Last evaluated: 2025-11-22. Review status: criteria provided, single submitter. Criteria: ACMG Guidelines, 2015. Collection method: clinical testing. Allele origin: germline. Observed: 1 variant allele.
Comment: BS1

Blueprint Genetics
Classification: Likely benign. Last evaluated: 2024-11-13. Review status: criteria provided, single submitter. Criteria: ACMG Guidelines, 2015. Collection method: clinical testing. Allele origin: germline.

Ambry Genetics
Classification: Likely benign for Inborn genetic diseases. Last evaluated: 2024-03-07. Review status: criteria provided, single submitter. Criteria: Ambry Variant Classification Scheme 2023. Collection method: clinical testing. Allele origin: germline.

NM_198576.4(AGRN):c.4139G>A (p.Arg1380His)

Gene: AGRN (agrin; plus strand). Cytogenetic location: 1p36.33.
Variant type: single nucleotide variant.
Coding change: c.4139G>A on transcript NM_198576.4 (MANE Select); coding-DNA position 4139, G replaced by A.
Protein change: p.Arg1380His; replaces arginine 1380 with histidine.
Molecular consequence: missense variant.
Genome position (GRCh38, 1-based): chr1:1,048,900, G>A. VCF-style: chr1-1048900-G-A. GRCh37 (hg19) VCF-style: chr1-984280-G-A.
Other names: p.Arg1380His; c.4139G>A, p.Arg1380His (NM_001305275.2); c.3824G>A, p.Arg1275His (NM_001364727.2); short protein forms R1380H, R1275H.
Identifiers: ClinVar variation 703974 (VCV000703974.14), dbSNP rs183686622, ClinGen allele CA509335.